The following is an entry in ClinVar:

GRCh38/hg38 22q11.21(chr22:18886943-20318794)x1

Genes: ARVCF (ARVCF delta catenin family member; minus strand), C22orf39 (chromosome 22 open reading frame 39; minus strand), CCDC188 (coiled-coil domain containing 188; minus strand), CDC45 (cell division cycle 45; plus strand), CLDN5 (claudin 5; minus strand) and 102 more. Cytogenetic location: 22q11.21.
Variant type: copy number loss.
Change: copy number 1 (one copy instead of two) of chr22:18,886,943-20,318,794 (1.43 Mb, GRCh38 coordinates, 1-based), cytogenetic band 22q11.21.
Identifiers: ClinVar variation 57570 (VCV000057570.2).

ClinVar aggregate classification (germline): Pathogenic (1 of 4 stars; one submission).

Submission:

ISCA Site 6
Classification: Pathogenic. Last evaluated: 2011-08-12. Review status: criteria provided, single submitter. Criteria: Kaminsky et al. (Genet Med. 2011). Collection method: clinical testing. Allele origin: unknown. Affected: yes. Observed: 1 variant allele.
Comment: Copy number variation identified through the course of routine clinical cytogenomic testing in postnatal populations. Clinical assertions have been curated as described in Kaminsky et al. 2011.